The following is an entry in ClinVar:

ClinVar aggregate classification (germline): Uncertain significance. Review status: criteria provided, multiple submitters, no conflicts (2 of 4 stars). 2 submissions from 2 submitters: Uncertain significance (2). Last evaluated 2025-03-04.

gnomAD v4.1: 3 of 1,610,074 alleles (0.00019%); highest among the groups gnomAD compares: Non-Finnish European, 0.00025%; no homozygotes.

Submissions (2):

Ambry Genetics
Classification: Uncertain significance. Last evaluated: 2025-03-04. Review status: criteria provided, single submitter. Criteria: Ambry Variant Classification Scheme 2023. Collection method: clinical testing. Allele origin: germline.
Comment: The p.V279I variant (also known as c.835G>A), located in coding exon 9 of the SRP72 gene, results from a G to A substitution at nucleotide position 835. The valine at codon 279 is replaced by isoleucine, an amino acid with highly similar properties. This amino acid position is conserved. In addition, the in silico prediction for this alteration is inconclusive. Based on the available evidence, the clinical significance of this variant remains unclear.

Labcorp Genetics (formerly Invitae), Labcorp
Classification: Uncertain significance. Last evaluated: 2024-08-06. Review status: criteria provided, single submitter. Criteria: Invitae Variant Classification Sherloc (09022015). Collection method: clinical testing. Allele origin: germline.
Comment: This sequence change replaces valine, which is neutral and non-polar, with isoleucine, which is neutral and non-polar, at codon 279 of the SRP72 protein (p.Val279Ile). This variant is present in population databases (rs754343621, gnomAD 0.002%). This variant has not been reported in the literature in individuals affected with SRP72-related conditions. Advanced modeling of protein sequence and biophysical properties (such as structural, functional, and spatial information, amino acid conservation, physicochemical variation, residue mobility, and thermodynamic stability) performed at Invitae indicates that this missense variant is not expected to disrupt SRP72 protein function with a negative predictive value of 80%. In summary, the available evidence is currently insufficient to determine the role of this variant in disease. Therefore, it has been classified as a Variant of Uncertain Significance.

NM_006947.4(SRP72):c.835G>A (p.Val279Ile)

Gene: SRP72 (signal recognition particle 72; plus strand). Cytogenetic location: 4q12.
Variant type: single nucleotide variant.
Coding change: c.835G>A on transcript NM_006947.4 (MANE Select); coding-DNA position 835, G replaced by A.
Protein change: p.Val279Ile; replaces valine 279 with isoleucine.
Molecular consequence: missense variant. On other transcripts: non-coding transcript variant (1).
Genome position (GRCh38, 1-based): chr4:56,483,148, G>A. VCF-style: chr4-56483148-G-A. GRCh37 (hg19) VCF-style: chr4-57349314-G-A.
Other names: c.835G>A (NM_006947.3); c.652G>A, p.Val218Ile (NM_001267722.2); short protein forms V218I, V279I.
Identifiers: ClinVar variation 3696483 (VCV003696483.3).